The following is an entry in ClinVar:

NM_001297.5(CNGB1):c.2308A>C (p.Met770Leu)

Gene: CNGB1 (cyclic nucleotide gated channel subunit beta 1; minus strand). Cytogenetic location: 16q21.
Variant type: single nucleotide variant.
Coding change: c.2308A>C on transcript NM_001297.5 (MANE Select); coding-DNA position 2308, A replaced by C.
Protein change: p.Met770Leu; replaces methionine 770 with leucine.
Molecular consequence: missense variant.
Genome position (GRCh38, 1-based): chr16:57,912,991, T>G on the plus strand (A>C on the coding strand, the complement: CNGB1 is on the minus strand). VCF-style: chr16-57912991-T-G. GRCh37 (hg19) VCF-style: chr16-57946895-T-G.
Other names: c.2290A>C, p.Met764Leu (NM_001286130.2); short protein forms M764L, M770L.
Identifiers: ClinVar variation 2002422 (VCV002002422.3), dbSNP rs199571662, ClinGen allele CA8083058.
Genomic context (GRCh38, chr16:57,912,991, plus strand): 5'-TGTACACGTAGGCTTTGCTGAGGATGGATTCCAGGCGGCTGTTAAACTCGAAGAAGGCCA[T>G]GTACTGGAGGGAGAGGAGGGCGTGAGAGCAGCCCACCGGCCATAGGTAGCATGCTGCTCC-3'
Protein context (NP_001288.3, residues 760-780): LLRLPRCLKY[Met770Leu]AFFEFNSRLE

ClinVar aggregate classification (germline): Uncertain significance (1 of 4 stars; one submission).

Allele frequency attached by ClinVar (database versions not stated): 1000 Genomes Project 30x 0.00016; 1000 Genomes Project 0.00020.
gnomAD v4.1: 4 of 1,613,872 alleles (0.00025%); highest among the groups gnomAD compares: Non-Finnish European, 0.00034%; no homozygotes.

Submission:

Labcorp Genetics (formerly Invitae), Labcorp
Classification: Uncertain significance. Last evaluated: 2022-06-04. Review status: criteria provided, single submitter. Criteria: Invitae Variant Classification Sherloc (09022015). Collection method: clinical testing. Allele origin: germline.
Comment: In summary, the available evidence is currently insufficient to determine the role of this variant in disease. Therefore, it has been classified as a Variant of Uncertain Significance. Advanced modeling of protein sequence and biophysical properties (such as structural, functional, and spatial information, amino acid conservation, physicochemical variation, residue mobility, and thermodynamic stability) performed at Invitae indicates that this missense variant is not expected to disrupt CNGB1 protein function. This sequence change replaces methionine, which is neutral and non-polar, with leucine, which is neutral and non-polar, at codon 770 of the CNGB1 protein (p.Met770Leu). This variant is present in population databases (rs199571662, gnomAD 0.003%). This variant has not been reported in the literature in individuals affected with CNGB1-related conditions.